The following is an entry in ClinVar:

NM_002878.4(RAD51D):c.71G>C (p.Arg24Thr)

Genes: RAD51L3-RFFL (RAD51L3-RFFL readthrough; minus strand), RAD51D (RAD51 paralog D; minus strand). Cytogenetic location: 17q12.
Variant type: single nucleotide variant.
Coding change: c.71G>C on transcript NM_002878.4 (MANE Select); coding-DNA position 71, G replaced by C.
Protein change: p.Arg24Thr; replaces arginine 24 with threonine.
Molecular consequence: missense variant. On other transcripts: non-coding transcript variant (2).
Genome position (GRCh38, 1-based): chr17:35,119,543, C>G on the plus strand (G>C on the coding strand, the complement: RAD51D is on the minus strand). VCF-style: chr17-35119543-C-G. GRCh37 (hg19) VCF-style: chr17-33446562-C-G.
Other names: c.71G>C, p.Arg24Thr (NM_001142571.2, NM_133629.3); short protein forms R24T.
Identifiers: ClinVar variation 2810871 (VCV002810871.3), dbSNP rs947444435, ClinGen allele CA399092302.

ClinVar aggregate classification (germline): Uncertain significance (1 of 4 stars; one submission).

Conditions:
Breast-ovarian cancer, familial, susceptibility to, 4. Identifiers: Orphanet 145, MedGen C3280345, MONDO:0013669, OMIM 614291.

Submission:

Labcorp Genetics (formerly Invitae), Labcorp
Classification: Uncertain significance for Breast-ovarian cancer, familial, susceptibility to, 4. Last evaluated: 2022-10-30. Review status: criteria provided, single submitter. Criteria: Invitae Variant Classification Sherloc (09022015). Collection method: clinical testing. Allele origin: germline.
Comment: In summary, the available evidence is currently insufficient to determine the role of this variant in disease. Therefore, it has been classified as a Variant of Uncertain Significance. Algorithms developed to predict the effect of missense changes on protein structure and function (SIFT, PolyPhen-2, Align-GVGD) all suggest that this variant is likely to be tolerated. This variant has not been reported in the literature in individuals affected with RAD51D-related conditions. This variant is not present in population databases (gnomAD no frequency). This sequence change replaces arginine, which is basic and polar, with threonine, which is neutral and polar, at codon 24 of the RAD51D protein (p.Arg24Thr).